The following continues an entry in ClinVar:

NM_000400.4(ERCC2):c.2164C>T (p.Arg722Trp)

Gene: ERCC2. ClinVar aggregate classification (germline): Pathogenic/Likely pathogenic. Pathogenic (13); Likely pathogenic (1).

Submissions 10 to 19 of 19:

Rady Children's Institute for Genomic Medicine, Rady Children's Hospital San Diego
Classification: Pathogenic for ERCC2-related conditions. Last evaluated: 2019-11-20. Review status: criteria provided, single submitter. Criteria: ACMG Guidelines, 2015. Collection method: clinical testing. Allele origin: germline. Affected: yes.
Comment: This variant has been previously reported as a compound heterozygous and homozygous change in patients with trichothiodystrophy (PMID: 8571952, 19085937, 20944642, 23232694, 26577220). Functional studies using patient fibroblast cell lines show that this variant impedes the recruitment of transcription repair factor TFIIH to sites of DNA damage, at least in part by weakening the interaction of ERCC2 with the GTF2H2 subunit (PMID: 18817897, 25620205). Another study using patient fibroblast cells shows that this variant results in a drastic reduction in the expression of collagen type VI alpha1 subunit, an important component of soft connective tissues, due to impaired TFIIH function (PMID: 23221806). This variant is present in the heterozygous state in the gnomAD population database at a frequency of 0.003% (9/276898) and thus is presumed to be rare. The c.2164C>T (p.Arg722Trp) variant affects a highly conserved amino acid and is predicted by multiple in silico tools to have a deleterious effect on protein function. Based on the available evidence, the c.2164C>T (p.Arg722Trp) variant is classified as Pathogenic.

Fulgent Genetics
Classification: Pathogenic for Xeroderma pigmentosum, group D; Trichothiodystrophy 1, photosensitive; Cerebrooculofacioskeletal syndrome 2. Last evaluated: 2018-10-31. Review status: criteria provided, single submitter. Criteria: ACMG Guidelines, 2015. Collection method: clinical testing. Allele origin: unknown.

CeGaT Center for Human Genetics Tuebingen
Classification: Pathogenic. Last evaluated: 2018-07-01. Review status: criteria provided, single submitter. Criteria: CeGaT Center For Human Genetics Tuebingen Variant Classification Criteria Version 2. Collection method: clinical testing. Allele origin: germline. Affected: yes. Observed: 1 variant allele.

Equipe Genetique des Anomalies du Developpement, Université de Bourgogne
Classification: Pathogenic for Cerebrooculofacioskeletal syndrome 2. Last evaluated: 2014-01-09. Review status: criteria provided, single submitter. Criteria: ACMG Guidelines, 2015. Collection method: clinical testing. Allele origin: unknown. Affected: yes. Study: Clinvar_gadteam_Clinical_exome_analysis_3.

Juno Genomics, Hangzhou Juno Genomics, Inc
Classification: Pathogenic for Trichothiodystrophy 1, photosensitive. Review status: criteria provided, single submitter. Criteria: ACMG Guidelines, 2015. Collection method: clinical testing. Allele origin: germline. Affected: yes.
Comment: Well-established in vitro or in vivo functional studies supportive of a damaging effect on the gene or gene product.;For recessive disorders, detected in trans with a pathogenic variant.;Patient's phenotype or family history is highly specific for a disease with a single genetic etiology.;Absent from controls (or at extremely low frequency if recessive) in Genome Aggregation Database, Exome Sequencing Project, 1000 Genomes Project, or Exome Aggregation Consortium.

OMIM
Classification: Pathogenic for TRICHOTHIODYSTROPHY 1, PHOTOSENSITIVE. Last evaluated: 1994-06-01. Review status: no assertion criteria provided. Collection method: literature only. Allele origin: germline. Not counted in ClinVar's aggregate classification.

Clinical Genetics DNA and cytogenetics Diagnostics Lab, Erasmus MC, Erasmus Medical Center
Classification: Pathogenic. Review status: no assertion criteria provided. Collection method: clinical testing. Allele origin: germline. Affected: yes. Study: VKGL Data-share Consensus. Not counted in ClinVar's aggregate classification.

Genome Diagnostics Laboratory, Amsterdam University Medical Center
Classification: Pathogenic. Review status: no assertion criteria provided. Collection method: clinical testing. Allele origin: germline. Affected: yes. Study: VKGL Data-share Consensus. Not counted in ClinVar's aggregate classification.

Joint Genome Diagnostic Labs from Nijmegen and Maastricht, Radboudumc and MUMC+
Classification: Pathogenic. Review status: no assertion criteria provided. Collection method: clinical testing. Allele origin: germline. Affected: yes. Study: VKGL Data-share Consensus. Not counted in ClinVar's aggregate classification.

Service de Génétique Moléculaire, Hôpital Robert Debré
Classification: Pathogenic for Cerebrooculofacioskeletal syndrome 2. Review status: no assertion criteria provided. Collection method: clinical testing. Allele origin: unknown. Affected: yes. Not counted in ClinVar's aggregate classification.

Literature cited by the submitters: PubMed 18470933 (cited by Otogenetics); PubMed 18817897 (cited by Otogenetics); PubMed 19085937 (cited by Otogenetics); PubMed 20944642 (cited by Otogenetics and Women's Health and Genetics/Laboratory Corporation of America, LabCorp); PubMed 23039039 (cited by Otogenetics and Laboratory for Molecular Medicine, Mass General Brigham Personalized Medicine); PubMed 25620205 (cited by 3 submitters); PubMed 29451896 (cited by Otogenetics); PubMed 31282071 (cited by Otogenetics and Labcorp Genetics (formerly Invitae), Labcorp); PS3_Supporting: Well-established in vitro and in vivo functional studies supportive of damaging effect on the gene product, with low residual enzymatic activity relative to wild-type reported (PMID: 18817897, 25620205) (cited by Otogenetics); PM2_Supporting: Maximum gnomAD MAF of 0.0047% in European-Non Finnish (NFE) subpopulation (<0.222% threshold) (cited by Otogenetics); PM3_VeryStrong: Variant reported in homozygous state in one affected individual and in trans with six pathogenic variants, confirmed in trans on parental testing, in six individuals affected with trichothiodystrophy or xeroderma pigmentosum (PMID: 18470933, 19085937, 20944642, 23039039, 29451896, 31282071) (cited by Otogenetics); PP3: In-silico models predict deleterious effect (Revel = 0.8, BayesDel = 0.31) (cited by Otogenetics); PubMed 31803976 (cited by Labcorp Genetics (formerly Invitae), Labcorp); PubMed 9651581 (cited by Laboratory for Molecular Medicine, Mass General Brigham Personalized Medicine); PubMed 8571952 (cited by Laboratory for Molecular Medicine, Mass General Brigham Personalized Medicine and Women's Health and Genetics/Laboratory Corporation of America, LabCorp); PubMed 19931493 (cited by Laboratory for Molecular Medicine, Mass General Brigham Personalized Medicine); PubMed 9238033 (cited by Women's Health and Genetics/Laboratory Corporation of America, LabCorp); PubMed 23232694 (cited by Women's Health and Genetics/Laboratory Corporation of America, LabCorp); PubMed 7920640 (cited by OMIM).